The following is an entry in ClinVar:

NM_001164508.2(NEB):c.3043-17A>G

Gene: NEB (nebulin; minus strand). Cytogenetic location: 2q23.3.
Variant type: single nucleotide variant.
Coding change: c.3043-17A>G on transcript NM_001164508.2 (MANE Select); 17 bases into the intron before coding-DNA position 3043, A replaced by G.
Molecular consequence: intron variant.
Genome position (GRCh38, 1-based): chr2:151,680,039, T>C on the plus strand (A>G on the coding strand, the complement: NEB is on the minus strand). VCF-style: chr2-151680039-T-C. GRCh37 (hg19) VCF-style: chr2-152536553-T-C.
Other names: c.3043-17A>G (NM_004543.5, NM_001164507.2, NM_001271208.2).
Identifiers: ClinVar variation 513017 (VCV000513017.1), dbSNP rs1553540138, ClinGen allele CA647652699.
Genomic context (GRCh38, chr2:151,680,039, plus strand): 5'-TTGTATTTGTGAATAATTTCCTCTCCTTTGGCTTTGTAAGCGATCTGAAAGAGAAAAAAA[T>C]GCATAAACAAACAAATAAAGTAGAAAGAAAATTTAATGGCACCAGAAAATAATTTCCTAA-3'

ClinVar aggregate classification (germline): Likely benign (1 of 4 stars; one submission).

Submission:

GeneDx
Classification: Likely benign. Last evaluated: 2017-11-03. Review status: criteria provided, single submitter. Criteria: GeneDx Variant Classification (06012015). Collection method: clinical testing. Allele origin: germline. Affected: yes.
Comment: This variant is considered likely benign or benign based on one or more of the following criteria: it is a conservative change, it occurs at a poorly conserved position in the protein, it is predicted to be benign by multiple in silico algorithms, and/or has population frequency not consistent with disease.